The following is an entry in ClinVar:

NM_007294.4(BRCA1):c.3649_3650insA (p.Ser1217fs)

Genes: BRCA1 (BRCA1 DNA repair associated; minus strand), LOC126862571 (BRD4-independent group 4 enhancer GRCh37_chr17:41243136-41244335; plus strand). Cytogenetic location: 17q21.31.
Variant type: Insertion.
Coding change: c.3649_3650insA on transcript NM_007294.4 (MANE Select); coding-DNA positions 3649 to 3650, A inserted.
Protein change: p.Ser1217fs; shifts the reading frame from serine 1217.
Molecular consequence: frameshift variant. On other transcripts: intron variant (135).
Genome position: GRCh38 VCF-style: chr17-43091881-G-GT. GRCh37 (hg19) VCF-style: chr17-41243898-G-GT.
Other names: 3768insA; c.3436_3437insA, p.Ser1146fs (NM_001407571.1, NM_001407853.1, NM_001407894.1 and 9 more transcripts); c.3649_3650insA, p.Ser1217fs (NM_001407581.1, NM_001407582.1, NM_001407583.1 and 30 more transcripts); c.3646_3647insA, p.Ser1216fs (NM_001407610.1, NM_001407611.1, NM_001407612.1 and 22 more transcripts); c.3640_3641insA, p.Ser1214fs (NM_001407646.1, NM_001407647.1); c.3526_3527insA, p.Ser1176fs (NM_001407648.1, NM_001407664.1, NM_001407665.1 and 19 more transcripts); c.3523_3524insA, p.Ser1175fs (NM_001407649.1, NM_001407670.1, NM_001407671.1 and 11 more transcripts); c.3571_3572insA, p.Ser1191fs (NM_001407653.1, NM_001407654.1, NM_001407655.1 and 4 more transcripts); and 42 more; short protein forms S1217fs, S1170fs, S1089fs, S1090fs, S1150fs, S1175fs, S1176fs, S1216fs.
Identifiers: ClinVar variation 125644 (VCV000125644.4), dbSNP rs80357831, ClinGen allele CA002336.

ClinVar aggregate classification (germline): Pathogenic. Review status: reviewed by expert panel (3 of 4 stars). 5 submissions from 5 submitters: Pathogenic (1). 4 of the submissions do not count toward it. Last evaluated 2016-09-08.

Conditions:
Breast and/or ovarian cancer. Identifiers: MedGen CN221562.
Hereditary breast ovarian cancer syndrome. Also called: Hereditary breast and/or ovarian cancer syndrome; Breast and ovarian cancer; Hereditary breast and ovarian cancer syndrome; Hereditary breast and ovarian cancer; Hereditary breast and ovarian cancer syndrome (HBOC); BRCA1- and BRCA2-Associated Hereditary Breast and Ovarian Cancer. Identifiers: Orphanet 145, MedGen C0677776, MeSH D061325, MONDO:0003582. Disease mechanism: loss of function.
Breast-ovarian cancer, familial, susceptibility to, 1 (BROVCA1). Also called: BRCA1 Hereditary Breast and Ovarian Cancer; OVARIAN CANCER, SUSCEPTIBILITY TO. Identifiers: Orphanet 145, MedGen C2676676, MONDO:0011450, OMIM 604370. Disease mechanism: loss of function.

Submissions (5):

Evidence-based Network for the Interpretation of Germline Mutant Alleles (ENIGMA)
Classification: Pathogenic for Breast-ovarian cancer, familial, susceptibility to, 1. Last evaluated: 2016-09-08. Review status: reviewed by expert panel. Criteria: ENIGMA BRCA1/2 Classification Criteria (2015). Collection method: curation. Allele origin: germline.
Comment: Variant allele predicted to encode a truncated non-functional protein.

Consortium of Investigators of Modifiers of BRCA1/2 (CIMBA), c/o University of Cambridge
Classification: Pathogenic for Breast-ovarian cancer, familial, susceptibility to, 1. Last evaluated: 2015-10-02. Review status: criteria provided, single submitter. Criteria: CIMBA Mutation Classification guidelines May 2016. Collection method: clinical testing. Allele origin: germline. Not counted in ClinVar's aggregate classification.

Foulkes Cancer Genetics LDI, Lady Davis Institute for Medical Research
Classification: Pathogenic for Breast and/or ovarian cancer. Last evaluated: 2016-01-11. Review status: no assertion criteria provided. Collection method: clinical testing. Allele origin: germline. Study: The Canadian Open Genetics Repository (COGR). Not counted in ClinVar's aggregate classification.

Research Molecular Genetics Laboratory, Women's College Hospital, University of Toronto
Classification: Pathogenic for Hereditary breast ovarian cancer syndrome. Last evaluated: 2014-01-31. Review status: no assertion criteria provided. Collection method: research. Allele origin: germline. Affected: yes. Study: The Canadian Open Genetics Repository (COGR). Not counted in ClinVar's aggregate classification.

Breast Cancer Information Core (BIC) (BRCA1)
Classification: Pathogenic for Breast-ovarian cancer, familial 1. Last evaluated: 2002-05-29. Review status: no assertion criteria provided. Collection method: clinical testing. Allele origin: germline. Affected: yes. Observed: 6 variant alleles. Not counted in ClinVar's aggregate classification.